The following is an entry in ClinVar:

NM_000565.4(IL6R):c.895G>A (p.Gly299Arg)

Gene: IL6R (interleukin 6 receptor; plus strand). Cytogenetic location: 1q21.3.
Variant type: single nucleotide variant.
Coding change: c.895G>A on transcript NM_000565.4 (MANE Select); coding-DNA position 895, G replaced by A.
Protein change: p.Gly299Arg; replaces glycine 299 with arginine.
Molecular consequence: missense variant.
Genome position (GRCh38, 1-based): chr1:154,436,056, G>A. VCF-style: chr1-154436056-G-A. GRCh37 (hg19) VCF-style: chr1-154408532-G-A.
Other names: c.895G>A, p.Gly299Arg (NM_001206866.2, NM_001382769.1, NM_001382770.1 and 3 more transcripts); c.889G>A, p.Gly297Arg (NM_001382772.1); c.535G>A, p.Gly179Arg (NM_001382774.1); c.895G>A (NM_000565.3); short protein forms G297R, G299R, G179R.
Identifiers: ClinVar variation 1411247 (VCV001411247.6), dbSNP rs375243100, ClinGen allele CA1129161.

ClinVar aggregate classification (germline): Uncertain significance. Review status: criteria provided, multiple submitters, no conflicts (2 of 4 stars). 2 submissions from 2 submitters: Uncertain significance (2). Last evaluated 2023-02-15.

Allele frequency attached by ClinVar (database versions not stated): gnomAD exomes 0.00001; ExAC 0.00003; gnomAD 0.00003 and 0.00004; TOPMed 0.00004; ESP Exome Variant Server 0.00008.
gnomAD v4.1: 46 of 1,613,112 alleles (0.0029%); highest among the groups gnomAD compares: Non-Finnish European, 0.0036%; no homozygotes.

Submissions (2):

Ambry Genetics
Classification: Uncertain significance. Last evaluated: 2023-02-15. Review status: criteria provided, single submitter. Criteria: Ambry Variant Classification Scheme 2023. Collection method: clinical testing. Allele origin: germline.

Labcorp Genetics (formerly Invitae), Labcorp
Classification: Uncertain significance. Last evaluated: 2021-10-05. Review status: criteria provided, single submitter. Criteria: Invitae Variant Classification Sherloc (09022015). Collection method: clinical testing. Allele origin: germline.
Comment: This sequence change replaces glycine with arginine at codon 299 of the IL6R protein (p.Gly299Arg). The glycine residue is moderately conserved and there is a moderate physicochemical difference between glycine and arginine. This variant is present in population databases (rs375243100, ExAC 0.01%). This variant has not been reported in the literature in individuals affected with IL6R-related conditions. Algorithms developed to predict the effect of missense changes on protein structure and function output the following: SIFT: "Tolerated"; PolyPhen-2: "Benign"; Align-GVGD: "Class C0". The arginine amino acid residue is found in multiple mammalian species, which suggests that this missense change does not adversely affect protein function. In summary, the available evidence is currently insufficient to determine the role of this variant in disease. Therefore, it has been classified as a Variant of Uncertain Significance.